The following is an entry in ClinVar:

NM_012247.5(SEPHS1):c.988C>T (p.Arg330Cys)

Gene: SEPHS1 (selenophosphate synthetase 1; minus strand). Cytogenetic location: 10p13.
Variant type: single nucleotide variant.
Coding change: c.988C>T on transcript NM_012247.5 (MANE Select); coding-DNA position 988, C replaced by T.
Protein change: p.Arg330Cys; replaces arginine 330 with cysteine.
Molecular consequence: missense variant. On other transcripts: non-coding transcript variant (1).
Genome position (GRCh38, 1-based): chr10:13,319,333, G>A on the plus strand (C>T on the coding strand, the complement: SEPHS1 is on the minus strand). VCF-style: chr10-13319333-G-A. GRCh37 (hg19) VCF-style: chr10-13361333-G-A.
Other names: c.787C>T, p.Arg263Cys (NM_001195602.2); c.775C>T, p.Arg259Cys (NM_001195604.2); c.982C>T, p.Arg328Cys (NM_001375769.1); short protein forms R259C, R263C, R328C, R330C.
Identifiers: ClinVar variation 3342752 (VCV003342752.1).
Genomic context (GRCh38, chr10:13,319,333, plus strand): 5'-GGTGGCCTTCACCATATTTGGGGGACTTTATCTCTGCACAGAACCGAGCTGCTTGCTCAC[G>A]TGGTAAACAGATCAGAAGGCCGCCTGGCAAAAGAAAACAAGAATGACTGTTAGTGTTGAC-3'
Protein context (NP_036379.2, residues 320-340): TSGGLLICLP[Arg330Cys]EQAARFCAEI

ClinVar aggregate classification (germline): Uncertain significance (1 of 4 stars; one submission).

Submission:

GeneDx
Classification: Uncertain significance. Last evaluated: 2022-12-10. Review status: criteria provided, single submitter. Criteria: GeneDx Variant Classification Process June 2021. Collection method: clinical testing. Allele origin: germline. Affected: yes.
Comment: Not observed at significant frequency in large population cohorts (gnomAD); In silico analysis supports that this missense variant has a deleterious effect on protein structure/function; Has not been previously published as pathogenic or benign to our knowledge; Variants in candidate genes are classified as variants of uncertain significance in accordance with ACMG guidelines (Richards et al., 2015)